The following is an entry in ClinVar:

NM_016507.4(CDK12):c.3104A>T (p.His1035Leu)

Gene: CDK12 (cyclin dependent kinase 12; plus strand). Cytogenetic location: 17q12.
Variant type: single nucleotide variant.
Coding change: c.3104A>T on transcript NM_016507.4 (MANE Select); coding-DNA position 3104, A replaced by T.
Protein change: p.His1035Leu; replaces histidine 1035 with leucine.
Molecular consequence: missense variant.
Genome position (GRCh38, 1-based): chr17:39,524,682, A>T. VCF-style: chr17-39524682-A-T. GRCh37 (hg19) VCF-style: chr17-37680935-A-T.
Other names: c.3104A>T, p.His1035Leu (NM_015083.4); short protein forms H1035L.
Identifiers: ClinVar variation 3830680 (VCV003830680.1).
Genomic context (GRCh38, chr17:39,524,682, plus strand): 5'-ATTCACTGCTGCATTCCCTTACATATTTCCCCTTTGCTTTGTCTTTTTCCAGCCTCCCCC[A>T]CTGGCAGGATTGCCATGAGTTGTGGAGTAAGAAACGGCGACGTCAGCGACAAAGTGGTGT-3'
Protein context (NP_057591.2, residues 1025-1045): LSKMAPPDLP[His1035Leu]WQDCHELWSK

ClinVar aggregate classification (germline): Uncertain significance (1 of 4 stars; one submission).

Submission:

Ambry Genetics
Classification: Uncertain significance. Last evaluated: 2025-02-17. Review status: criteria provided, single submitter. Criteria: Ambry Variant Classification Scheme 2023. Collection method: clinical testing. Allele origin: germline.
Comment: The p.H1035L variant (also known as c.3104A>T), located in coding exon 12 of the CDK12 gene, results from an A to T substitution at nucleotide position 3104. The histidine at codon 1035 is replaced by leucine, an amino acid with similar properties. This amino acid position is conserved. In addition, this alteration is predicted to be tolerated by in silico analysis. Based on the available evidence, the clinical significance of this variant remains unclear.